The following is an entry in ClinVar:

NM_000548.5(TSC2):c.499T>C (p.Trp167Arg)

Gene: TSC2 (TSC complex subunit 2; plus strand). Cytogenetic location: 16p13.3.
Variant type: single nucleotide variant.
Coding change: c.499T>C on transcript NM_000548.5 (MANE Select); coding-DNA position 499, T replaced by C.
Protein change: p.Trp167Arg; replaces tryptophan 167 with arginine.
Molecular consequence: missense variant. On other transcripts: intron variant (1).
Genome position (GRCh38, 1-based): chr16:2,055,419, T>C. VCF-style: chr16-2055419-T-C. GRCh37 (hg19) VCF-style: chr16-2105420-T-C.
Other names: c.499T>C, p.Trp167Arg (NM_001077183.3, NM_001114382.3, NM_001363528.2 and 3 more transcripts); c.388T>C, p.Trp130Arg (NM_001318827.2); c.352T>C, p.Trp118Arg (NM_001318829.2); c.532T>C, p.Trp178Arg (NM_001318832.2); c.-1-777T>C (NM_001318831.2); short protein forms W167R, W118R, W130R, W178R.
Identifiers: ClinVar variation 486635 (VCV000486635.21), dbSNP rs1555498118, ClinGen allele CA394309132.

ClinVar aggregate classification (germline): Conflicting classifications of pathogenicity. Review status: criteria provided, conflicting classifications (1 of 4 stars). 6 submissions from 6 submitters: Uncertain significance (5); Likely benign (1). Last evaluated 2026-01-06.

Conditions:
Hereditary cancer-predisposing syndrome. Also called: Hereditary neoplastic syndrome; Neoplastic Syndromes, Hereditary; Tumor predisposition; Hereditary Cancer Syndrome. Identifiers: Orphanet 140162, MedGen C0027672, MeSH D009386, MONDO:0015356.
Tuberous sclerosis syndrome (TSC). Also called: Tuberous Sclerosis Complex; Tuberous sclerosis. Identifiers: Orphanet 805, MedGen C0041341, MONDO:0001734.
Tuberous sclerosis 2 (TSC2). Identifiers: Orphanet 805, MedGen C1860707, MONDO:0013199, OMIM 613254.
Isolated focal cortical dysplasia type II (FCORD2). Also called: CORTICAL DYSPLASIA OF TAYLOR; Focal cortical dysplasia type II. Identifiers: Orphanet 268994, MedGen C1846385, MONDO:0011818, OMIM 607341, HP:0032051.

Allele frequency attached by ClinVar (database versions not stated): gnomAD 0.00001; TOPMed 0.00001.
gnomAD v4.1: 5 of 1,614,022 alleles (0.00031%); highest among the groups gnomAD compares: Admixed American, 0.0017%; no homozygotes.

Submissions (6):

GeneDx
Classification: Uncertain significance. Last evaluated: 2026-01-06. Review status: criteria provided, single submitter. Criteria: GeneDx Variant Classification Process June 2021. Collection method: clinical testing. Allele origin: germline.
Comment: Reported in the heterozygous state in a non-tuberous sclerosis patient with gastroenteropancreatic neuroendocrine neoplasias (PMID: 29167182); Reported in the heterozygous state in a patient with metastatic pheochromocytoma; however, further clinical and segregation information were not provided (PMID: 39688739); In silico analysis supports that this missense variant has a deleterious effect on protein structure/function; This variant is associated with the following publications: (PMID: 18466115, 29167182, 39688739)

Labcorp Genetics (formerly Invitae), Labcorp
Classification: Likely benign for Tuberous sclerosis 2. Last evaluated: 2026-01-04. Review status: criteria provided, single submitter. Criteria: Invitae Variant Classification Sherloc (09022015). Collection method: clinical testing. Allele origin: germline.

Ambry Genetics
Classification: Uncertain significance for Hereditary cancer-predisposing syndrome. Last evaluated: 2025-05-25. Review status: criteria provided, single submitter. Criteria: Ambry Variant Classification Scheme 2023. Collection method: clinical testing. Allele origin: germline.
Comment: The p.W167R variant (also known as c.499T>C), located in coding exon 5 of the TSC2 gene, results from a T to C substitution at nucleotide position 499. The tryptophan at codon 167 is replaced by arginine, an amino acid with dissimilar properties. This alteration has been reported in a non-syndromic gastroenteropancreatic neuroendocrine neoplasia patient (Asprino PF et al. Endocr. Relat. Cancer, 2018 Feb;25:L1-L5). This amino acid position is highly conserved in available vertebrate species. In addition, this alteration is predicted to be deleterious by in silico analysis. Since supporting evidence is limited at this time, the clinical significance of this alteration remains unclear.

Baylor Genetics
Classification: Uncertain significance for Isolated focal cortical dysplasia type II. Last evaluated: 2024-01-14. Review status: criteria provided, single submitter. Criteria: ACMG Guidelines, 2015. Collection method: clinical testing. Allele origin: unknown.

All of Us Research Program, National Institutes of Health
Classification: Uncertain significance for Tuberous sclerosis syndrome. Last evaluated: 2023-08-15. Review status: criteria provided, single submitter. Criteria: ACMG Guidelines, 2015. Collection method: clinical testing. Allele origin: germline. Inheritance: Autosomal dominant inheritance. Observed: 3 variant alleles, 3 heterozygotes.
Comment: This missense variant replaces tryptophan with arginine at codon 167 of the TSC2 protein. Computational prediction suggests that this variant may have deleterious impact on protein structure and function (internally defined REVEL score threshold >= 0.7, PMID: 27666373). Functional studies have shown that this variant retained >80% of wild-type TSC2 (Almeida 2019, Dissertation, University of Sao Paulo; LOVD). This variant has been reported in a non-tuberous sclerosis patient affected with gastroenteropancreatic neuroendocrine neoplasias (PMID: 29167182). This variant has not been identified in the general population by the Genome Aggregation Database (gnomAD). The available evidence is insufficient to determine the role of this variant in disease conclusively. Therefore, this variant is classified as a Variant of Uncertain Significance.

This study involves interpretation of variants in research participants for the purpose of population health screening. Participant phenotype was not available at the time of variant classification. Additional details can be found in publication PMID: 35346344, PMCID: PMC8962531

Genome-Nilou Lab
Classification: Uncertain significance for Tuberous sclerosis 2. Last evaluated: 2021-11-07. Review status: criteria provided, single submitter. Criteria: ACMG Guidelines, 2015. Collection method: clinical testing. Allele origin: germline. Affected: no.

Literature cited by the submitters: PubMed 29167182 (cited by Ambry Genetics and All of Us Research Program, National Institutes of Health).